The following is an entry in ClinVar:

NM_022047.4(DEF6):c.622G>A (p.Glu208Lys)

Gene: DEF6 (DEF6 guanine nucleotide exchange factor; plus strand). Cytogenetic location: 6p21.31.
Variant type: single nucleotide variant.
Coding change: c.622G>A on transcript NM_022047.4 (MANE Select); coding-DNA position 622, G replaced by A.
Protein change: p.Glu208Lys; replaces glutamic acid 208 with lysine.
Molecular consequence: missense variant.
Genome position (GRCh38, 1-based): chr6:35,312,500, G>A. VCF-style: chr6-35312500-G-A. GRCh37 (hg19) VCF-style: chr6-35280277-G-A.
Other names: c.622G>A (NM_022047.3); short protein forms E208K.
Identifiers: ClinVar variation 1473994 (VCV001473994.6), dbSNP rs780620376, ClinGen allele CA3770760.

ClinVar aggregate classification (germline): Uncertain significance. Review status: criteria provided, multiple submitters, no conflicts (2 of 4 stars). 2 submissions from 2 submitters: Uncertain significance (2). Last evaluated 2024-05-14.

Allele frequency attached by ClinVar (database versions not stated): gnomAD 0.00001; gnomAD exomes 0.00001; ExAC 0.00002.
gnomAD v4.1: 16 of 1,614,050 alleles (0.00099%); highest among the groups gnomAD compares: Non-Finnish European, 0.0012%; no homozygotes.

Submissions (2):

Ambry Genetics
Classification: Uncertain significance. Last evaluated: 2024-05-14. Review status: criteria provided, single submitter. Criteria: Ambry Variant Classification Scheme 2023. Collection method: clinical testing. Allele origin: germline.

Labcorp Genetics (formerly Invitae), Labcorp
Classification: Uncertain significance. Last evaluated: 2022-02-01. Review status: criteria provided, single submitter. Criteria: Invitae Variant Classification Sherloc (09022015). Collection method: clinical testing. Allele origin: germline.
Comment: This sequence change replaces glutamic acid, which is acidic and polar, with lysine, which is basic and polar, at codon 208 of the DEF6 protein (p.Glu208Lys). This variant is present in population databases (rs780620376, gnomAD 0.003%). This variant has not been reported in the literature in individuals affected with DEF6-related conditions. Algorithms developed to predict the effect of missense changes on protein structure and function are either unavailable or do not agree on the potential impact of this missense change (SIFT: "Deleterious"; PolyPhen-2: "Benign"; Align-GVGD: "Class C15"). In summary, the available evidence is currently insufficient to determine the role of this variant in disease. Therefore, it has been classified as a Variant of Uncertain Significance.